The following is an entry in ClinVar:

NM_002894.3(RBBP8):c.2516G>A (p.Arg839Gln)

Gene: RBBP8 (RB binding protein 8, endonuclease; plus strand). Cytogenetic location: 18q11.2.
Variant type: single nucleotide variant.
Coding change: c.2516G>A on transcript NM_002894.3 (MANE Select); coding-DNA position 2516, G replaced by A.
Protein change: p.Arg839Gln; replaces arginine 839 with glutamine.
Molecular consequence: missense variant.
Genome position (GRCh38, 1-based): chr18:23,022,190, G>A. VCF-style: chr18-23022190-G-A. GRCh37 (hg19) VCF-style: chr18-20602153-G-A.
Other names: c.2516G>A, p.Arg839Gln (NM_203291.2); c.2419G>A, p.Asp807Asn (NM_203292.2); short protein forms R839Q, D807N.
Identifiers: ClinVar variation 326234 (VCV000326234.14), dbSNP rs140196819, ClinGen allele CA8910384.

ClinVar aggregate classification (germline): Uncertain significance. Review status: criteria provided, multiple submitters, no conflicts (2 of 4 stars). 6 submissions from 6 submitters: Uncertain significance (6). Last evaluated 2024-11-06.

Conditions:
Jawad syndrome (JWDS). Also called: KELLY SYNDROME; MICROCEPHALY WITH IMPAIRED INTELLECTUAL DEVELOPMENT AND DIGITAL ANOMALIES. Identifiers: Orphanet 313795, MedGen C0796063, MONDO:0009622, OMIM 251255.
Seckel syndrome 2 (SCKL2). Also called: MICROCEPHALIC PRIMORDIAL DWARFISM 2; SECKEL-TYPE DWARFISM 2. Identifiers: Orphanet 808, MedGen C1847572, MONDO:0011715, OMIM 606744.

Allele frequency attached by ClinVar (database versions not stated): gnomAD 0.00051 and 0.00052; 1000 Genomes Project 0.00060; 1000 Genomes Project 30x 0.00062; TOPMed 0.00069; ESP Exome Variant Server 0.00085.
gnomAD v4.1: 1,164 of 1,611,186 alleles (0.072%); highest among the groups gnomAD compares: Non-Finnish European, 0.093%; 2 homozygotes.

Submissions (6):

Blueprint Genetics
Classification: Uncertain significance. Last evaluated: 2024-11-06. Review status: criteria provided, single submitter. Criteria: ACMG Guidelines, 2015. Collection method: clinical testing. Allele origin: germline.

Fulgent Genetics
Classification: Uncertain significance for Jawad syndrome; Seckel syndrome 2. Last evaluated: 2024-06-04. Review status: criteria provided, single submitter. Criteria: ACMG Guidelines, 2015. Collection method: clinical testing. Allele origin: germline.

Labcorp Genetics (formerly Invitae), Labcorp
Classification: Uncertain significance. Last evaluated: 2023-12-09. Review status: criteria provided, single submitter. Criteria: Invitae Variant Classification Sherloc (09022015). Collection method: clinical testing. Allele origin: germline.
Comment: This sequence change replaces arginine, which is basic and polar, with glutamine, which is neutral and polar, at codon 839 of the RBBP8 protein (p.Arg839Gln). This variant is present in population databases (rs140196819, gnomAD 0.09%), and has an allele count higher than expected for a pathogenic variant. This variant has not been reported in the literature in individuals affected with RBBP8-related conditions. ClinVar contains an entry for this variant (Variation ID: 326234). An algorithm developed to predict the effect of missense changes on protein structure and function (PolyPhen-2) suggests that this variant is likely to be disruptive. In summary, the available evidence is currently insufficient to determine the role of this variant in disease. Therefore, it has been classified as a Variant of Uncertain Significance.

GeneDx
Classification: Uncertain significance. Last evaluated: 2022-04-24. Review status: criteria provided, single submitter. Criteria: GeneDx Variant Classification Process June 2021. Collection method: clinical testing. Allele origin: germline. Affected: yes.
Comment: In silico analysis supports that this missense variant does not alter protein structure/function; This variant is associated with the following publications: (PMID: 32379725, 34803902)

Revvity Omics, Revvity
Classification: Uncertain significance. Last evaluated: 2021-10-04. Review status: criteria provided, single submitter. Criteria: ACMG Guidelines, 2015. Collection method: clinical testing. Allele origin: germline.

Centre for Mendelian Genomics, University Medical Centre Ljubljana
Classification: Uncertain significance for Jawad syndrome. Last evaluated: 2020-01-10. Review status: criteria provided, single submitter. Criteria: ACMG Guidelines, 2015. Collection method: clinical testing. Allele origin: unknown. Affected: yes.
Comment: This variant was classified as: Uncertain significance. The available evidence on this variant's pathogenicity is insufficient or conflicting. The following ACMG criteria were applied in classifying this variant: PP3.